The following is an entry in ClinVar:

ClinVar aggregate classification (germline): Benign. Review status: criteria provided, multiple submitters, no conflicts (2 of 4 stars). 2 submissions from 2 submitters: Benign (2). Last evaluated 2018-06-14.

Allele frequency attached by ClinVar (database versions not stated): 1000 Genomes Project 0.84365; TOPMed 0.84623; 1000 Genomes Project 30x 0.84728; gnomAD 0.84830 and 0.85272.
gnomAD v4.1: 129,203 of 152,222 alleles (85%); highest among the groups gnomAD compares: African/African-American, 95%; 55,290 homozygotes.

Submissions (2):

GeneDx
Classification: Benign. Last evaluated: 2018-06-14. Review status: criteria provided, single submitter. Criteria: GeneDx Variant Classification (06012015). Collection method: clinical testing. Allele origin: germline. Affected: yes.
Comment: This variant is considered likely benign or benign based on one or more of the following criteria: it is a conservative change, it occurs at a poorly conserved position in the protein, it is predicted to be benign by multiple in silico algorithms, and/or has population frequency not consistent with disease.

Breakthrough Genomics
Classification: Benign. Review status: criteria provided, single submitter. Criteria: ACMG Guidelines, 2015. Collection method: not provided. Allele origin: germline. Inheritance: Autosomal recessive inheritance. Affected: yes.

NM_022124.6(CDH23):c.-5-251A>G

Gene: CDH23 (cadherin related 23; plus strand). Cytogenetic location: 10q22.1.
Variant type: single nucleotide variant.
Coding change: c.-5-251A>G on transcript NM_022124.6 (MANE Select); 251 bases into the intron before 5 bases upstream of the start codon, A replaced by G.
Molecular consequence: intron variant.
Genome position (GRCh38, 1-based): chr10:71,439,576, A>G. VCF-style: chr10-71439576-A-G. GRCh37 (hg19) VCF-style: chr10-73199333-A-G.
Other names: c.-5-251A>G (NM_001171930.2, NM_001171931.2, NM_052836.4 and 1 more transcripts).
Identifiers: ClinVar variation 680498 (VCV000680498.2), dbSNP rs10740381, ClinGen allele CA13246632.